The following is an entry in ClinVar:

NM_016026.4(RDH11):c.652C>T (p.Arg218Trp)

Genes: GPHN (gephyrin; plus strand), RDH11 (retinol dehydrogenase 11; minus strand). Cytogenetic location: 14q24.1.
Variant type: single nucleotide variant.
Coding change: c.652C>T on transcript NM_016026.4 (MANE Select); coding-DNA position 652, C replaced by T.
Protein change: p.Arg218Trp; replaces arginine 218 with tryptophan.
Molecular consequence: missense variant. On other transcripts: intron variant (1).
Genome position (GRCh38, 1-based): chr14:67,690,224, G>A on the plus strand (C>T on the coding strand, the complement: RDH11 is on the minus strand). VCF-style: chr14-67690224-G-A. GRCh37 (hg19) VCF-style: chr14-68156941-G-A.
Other names: c.652C>T (NM_016026.3); c.454+916C>T (NM_001252650.2); short protein forms R218W.
Identifiers: ClinVar variation 1671568 (VCV001671568.11), dbSNP rs139691140, ClinGen allele CA7238343.

ClinVar aggregate classification (germline): Benign/Likely benign. Review status: criteria provided, multiple submitters, no conflicts (2 of 4 stars). 3 submissions from 3 submitters: Benign (1); Likely benign (1). 1 of the submissions does not count toward it. Last evaluated 2024-12-09.

Conditions:
RDH11-related disorder. Also called: RDH11-related condition.

Allele frequency attached by ClinVar (database versions not stated): TOPMed 0.00009; gnomAD 0.00011 and 0.00012; ExAC 0.00016; gnomAD exomes 0.00021; ESP Exome Variant Server 0.00023.
gnomAD v4.1: 160 of 1,613,082 alleles (0.0099%); highest among the groups gnomAD compares: Admixed American, 0.018%; 1 homozygote.

Submissions (3):

Labcorp Genetics (formerly Invitae), Labcorp
Classification: Likely benign. Last evaluated: 2024-12-09. Review status: criteria provided, single submitter. Criteria: Invitae Variant Classification Sherloc (09022015). Collection method: clinical testing. Allele origin: germline.

Blueprint Genetics
Classification: Benign. Last evaluated: 2024-03-02. Review status: criteria provided, single submitter. Criteria: ACMG Guidelines, 2015. Collection method: clinical testing. Allele origin: germline.

PreventionGenetics, part of Exact Sciences
Classification: Likely benign for RDH11-related condition. Last evaluated: 2022-11-10. Review status: no assertion criteria provided. Collection method: clinical testing. Allele origin: germline. Not counted in ClinVar's aggregate classification.
Comment: This variant is classified as likely benign based on ACMG/AMP sequence variant interpretation guidelines (Richards et al. 2015 PMID: 25741868, with internal and published modifications).